The following is an entry in ClinVar:

ClinVar aggregate classification (germline): Likely benign (1 of 4 stars; one submission).

Allele frequency attached by ClinVar (database versions not stated): gnomAD 0.00004; TOPMed 0.00005; gnomAD exomes 0.00007; ESP Exome Variant Server 0.00010; ExAC 0.00012.
gnomAD v4.1: 111 of 1,613,466 alleles (0.0069%); highest among the groups gnomAD compares: Middle Eastern, 0.21%; no homozygotes.

Submission:

CeGaT Center for Human Genetics Tuebingen
Classification: Likely benign. Last evaluated: 2023-03-01. Review status: criteria provided, single submitter. Criteria: CeGaT Center For Human Genetics Tuebingen Variant Classification Criteria Version 2. Collection method: clinical testing. Allele origin: germline. Affected: yes. Observed: 1 variant allele.
Comment: PRUNE2: BP4, BP7

NM_015225.3(PRUNE2):c.7854C>T (p.Ser2618=)

Gene: PRUNE2 (prune homolog 2 with BCH domain; minus strand). Cytogenetic location: 9q21.2.
Variant type: single nucleotide variant.
Coding change: c.7854C>T on transcript NM_015225.3 (MANE Select); coding-DNA position 7854, C replaced by T.
Protein change: p.Ser2618=; no amino-acid change (serine 2618 retained).
Molecular consequence: synonymous variant. On other transcripts: non-coding transcript variant (1).
Genome position (GRCh38, 1-based): chr9:76,703,759, G>A on the plus strand (C>T on the coding strand, the complement: PRUNE2 is on the minus strand). VCF-style: chr9-76703759-G-A. GRCh37 (hg19) VCF-style: chr9-79318675-G-A.
Other names: c.7854C>T, p.Ser2618= (NM_001308047.2, NM_001308048.2).
Identifiers: ClinVar variation 2659260 (VCV002659260.24), dbSNP rs374821515, ClinGen allele CA5089222.